The following is an entry in ClinVar:

ClinVar aggregate classification (germline): Uncertain significance (1 of 4 stars; one submission).

Conditions:
Werner syndrome (WRN). Identifiers: Orphanet 902, MedGen C0043119, MONDO:0010196, OMIM 277700.

Submission:

Labcorp Genetics (formerly Invitae), Labcorp
Classification: Uncertain significance for Werner syndrome. Last evaluated: 2020-03-08. Review status: criteria provided, single submitter. Criteria: Invitae Variant Classification Sherloc (09022015). Collection method: clinical testing. Allele origin: germline.
Comment: This variant is not present in population databases (ExAC no frequency). This sequence change replaces tyrosine with phenylalanine at codon 218 of the WRN protein (p.Tyr218Phe). The tyrosine residue is highly conserved and there is a small physicochemical difference between tyrosine and phenylalanine. This variant has not been reported in the literature in individuals with WRN-related conditions. In summary, the available evidence is currently insufficient to determine the role of this variant in disease. Therefore, it has been classified as a Variant of Uncertain Significance. Algorithms developed to predict the effect of missense changes on protein structure and function are either unavailable or do not agree on the potential impact of this missense change (SIFT: "Not Available"; PolyPhen-2: "Probably Damaging"; Align-GVGD: "Not Available").

NM_000553.6(WRN):c.653A>T (p.Tyr218Phe)

Gene: WRN (WRN RecQ like helicase; plus strand). Cytogenetic location: 8p12.
Variant type: single nucleotide variant.
Coding change: c.653A>T on transcript NM_000553.6 (MANE Select); coding-DNA position 653, A replaced by T.
Protein change: p.Tyr218Phe; replaces tyrosine 218 with phenylalanine.
Molecular consequence: missense variant.
Genome position (GRCh38, 1-based): chr8:31,067,181, A>T. VCF-style: chr8-31067181-A-T. GRCh37 (hg19) VCF-style: chr8-30924697-A-T.
Other names: short protein forms Y218F.
Identifiers: ClinVar variation 1051020 (VCV001051020.3), dbSNP rs780640173, ClinGen allele CA370916444.